The following is an entry in ClinVar:

ClinVar aggregate classification (germline): Uncertain significance (1 of 4 stars; one submission).

Submission:

Labcorp Genetics (formerly Invitae), Labcorp
Classification: Uncertain significance. Last evaluated: 2023-12-11. Review status: criteria provided, single submitter. Criteria: Invitae Variant Classification Sherloc (09022015). Collection method: clinical testing. Allele origin: germline.
Comment: This sequence change replaces serine, which is neutral and polar, with arginine, which is basic and polar, at codon 1956 of the DSCAML1 protein (p.Ser1956Arg). This variant is not present in population databases (gnomAD no frequency). This variant has not been reported in the literature in individuals affected with DSCAML1-related conditions. ClinVar contains an entry for this variant (Variation ID: 2095887). An algorithm developed to predict the effect of missense changes on protein structure and function (PolyPhen-2) suggests that this variant is likely to be tolerated. In summary, the available evidence is currently insufficient to determine the role of this variant in disease. Therefore, it has been classified as a Variant of Uncertain Significance.

NM_020693.4(DSCAML1):c.5688T>G (p.Ser1896Arg)

Gene: DSCAML1 (DS cell adhesion molecule like 1; minus strand). Cytogenetic location: 11q23.3.
Variant type: single nucleotide variant.
Coding change: c.5688T>G on transcript NM_020693.4 (MANE Select); coding-DNA position 5688, T replaced by G.
Protein change: p.Ser1896Arg; replaces serine 1896 with arginine.
Molecular consequence: missense variant.
Genome position (GRCh38, 1-based): chr11:117,428,802, A>C on the plus strand (T>G on the coding strand, the complement: DSCAML1 is on the minus strand). VCF-style: chr11-117428802-A-C. GRCh37 (hg19) VCF-style: chr11-117299518-A-C.
Other names: short protein forms S1896R.
Identifiers: ClinVar variation 2095887 (VCV002095887.4), dbSNP rs2542954264, ClinGen allele CA382751605.
Genomic context (GRCh38, chr11:117,428,802, plus strand): 5'-TCCATCTGCCTTTCGAAAGAAGGCCTCTGACTTGGCATACAGGGGCAGGTTGCAGTAGTC[A>C]CCTGGAATCACAGAGGCAGAGGATGTTACAGAGAGTCATAGCCCTCTGGAAGCAGCTCGT-3'
Protein context (NP_065744.3, residues 1886-1906): AVPIPHRANK[Ser1896Arg]DYCNLPLYAK